The following is an entry in ClinVar:

ClinVar aggregate classification (germline): Uncertain significance (1 of 4 stars; one submission).

Conditions:
Congenital myasthenic syndrome 8. Also called: MYASTHENIC SYNDROME, CONGENITAL, DUE TO AGRIN DEFICIENCY; Myasthenic syndrome, congenital, 8, with pre- and postsynaptic defects. Identifiers: Orphanet 590, MedGen C3808739, MONDO:0014052, OMIM 615120.

Allele frequency attached by ClinVar (database versions not stated): gnomAD exomes 0.00005 and 0.00010; ExAC 0.00010; 1000 Genomes Project 0.00020; ESP Exome Variant Server 0.00023; gnomAD 0.00042 and 0.00046; 1000 Genomes Project 30x 0.00047; TOPMed 0.00054.
gnomAD v4.1: 127 of 1,472,320 alleles (0.0086%); highest among the groups gnomAD compares: African/African-American, 0.17%; no homozygotes.

Submission:

Labcorp Genetics (formerly Invitae), Labcorp
Classification: Uncertain significance for Congenital myasthenic syndrome 8. Last evaluated: 2024-12-09. Review status: criteria provided, single submitter. Criteria: Invitae Variant Classification Sherloc (09022015). Collection method: clinical testing. Allele origin: germline.
Comment: This sequence change affects codon 242 of the AGRN mRNA. It is a 'silent' change, meaning that it does not change the encoded amino acid sequence of the AGRN protein. It affects a nucleotide within the consensus splice site. This variant is present in population databases (rs369344193, gnomAD 0.2%). This variant has not been reported in the literature in individuals affected with AGRN-related conditions. ClinVar contains an entry for this variant (Variation ID: 656111). Algorithms developed to predict the effect of sequence changes on RNA splicing suggest that this variant is not likely to affect RNA splicing. In summary, the available evidence is currently insufficient to determine the role of this variant in disease. Therefore, it has been classified as a Variant of Uncertain Significance.

NM_198576.4(AGRN):c.726C>T (p.Cys242=)

Genes: AGRN (agrin; plus strand), LOC129929077 (ATAC-STARR-seq lymphoblastoid silent region 23; plus strand). Cytogenetic location: 1p36.33.
Variant type: single nucleotide variant.
Coding change: c.726C>T on transcript NM_198576.4 (MANE Select); coding-DNA position 726, C replaced by T.
Protein change: p.Cys242=; no amino-acid change (cysteine 242 retained).
Molecular consequence: synonymous variant.
Genome position (GRCh38, 1-based): chr1:1,040,879, C>T. VCF-style: chr1-1040879-C-T. GRCh37 (hg19) VCF-style: chr1-976259-C-T.
Other names: c.726C>T, p.Cys242= (NM_001305275.2); c.411C>T, p.Cys137= (NM_001364727.2).
Identifiers: ClinVar variation 656111 (VCV000656111.8), dbSNP rs369344193, ClinGen allele CA507898.